The following is an entry in ClinVar:

NM_001040142.2(SCN2A):c.187C>T (p.Pro63Ser)

Gene: SCN2A (sodium voltage-gated channel alpha subunit 2; plus strand). Cytogenetic location: 2q24.3.
Variant type: single nucleotide variant.
Coding change: c.187C>T on transcript NM_001040142.2 (MANE Select); coding-DNA position 187, C replaced by T.
Protein change: p.Pro63Ser; replaces proline 63 with serine.
Molecular consequence: missense variant.
Genome position (GRCh38, 1-based): chr2:165,296,010, C>T. VCF-style: chr2-165296010-C-T. GRCh37 (hg19) VCF-style: chr2-166152520-C-T.
Other names: c.187C>T, p.Pro63Ser (NM_001040143.2, NM_001371246.1, NM_001371247.1 and 1 more transcripts); short protein forms P63S.
Identifiers: ClinVar variation 425217 (VCV000425217.45), dbSNP rs1064797259, ClinGen allele CA16621759.

ClinVar aggregate classification (germline): Uncertain significance. Review status: criteria provided, multiple submitters, no conflicts (2 of 4 stars). 2 submissions from 2 submitters: Uncertain significance (2). Last evaluated 2025-01-06.

Conditions:
Seizures, benign familial infantile, 3 (BFIS3). Also called: Familial neonatal seizures; CONVULSIONS, BENIGN FAMILIAL INFANTILE, 3. Identifiers: Orphanet 140927, Orphanet 306, MedGen C1843140, MONDO:0011904, OMIM 607745.
Developmental and epileptic encephalopathy, 11 (DEE11). Also called: Early infantile epileptic encephalopathy 11. Identifiers: Orphanet 1934, MedGen C3150987, MONDO:0013388, OMIM 613721.

Allele frequency attached by ClinVar (database versions not stated): gnomAD exomes below 0.00001.
gnomAD v4.1: 1 of 1,614,132 alleles (0.000062%); highest among the groups gnomAD compares: Non-Finnish European, 0.000085%; no homozygotes.

Submissions (2):

Labcorp Genetics (formerly Invitae), Labcorp
Classification: Uncertain significance for Seizures, benign familial infantile, 3; Developmental and epileptic encephalopathy, 11. Last evaluated: 2025-01-06. Review status: criteria provided, single submitter. Criteria: Invitae Variant Classification Sherloc (09022015). Collection method: clinical testing. Allele origin: germline.
Comment: This sequence change replaces proline, which is neutral and non-polar, with serine, which is neutral and polar, at codon 63 of the SCN2A protein (p.Pro63Ser). This variant is not present in population databases (gnomAD no frequency). This variant has not been reported in the literature in individuals affected with SCN2A-related conditions. ClinVar contains an entry for this variant (Variation ID: 425217). Invitae Evidence Modeling of protein sequence and biophysical properties (such as structural, functional, and spatial information, amino acid conservation, physicochemical variation, residue mobility, and thermodynamic stability) indicates that this missense variant is expected to disrupt SCN2A protein function with a positive predictive value of 95%. In summary, the available evidence is currently insufficient to determine the role of this variant in disease. Therefore, it has been classified as a Variant of Uncertain Significance.

CeGaT Center for Human Genetics Tuebingen
Classification: Uncertain significance. Last evaluated: 2016-09-01. Review status: criteria provided, single submitter. Criteria: CeGaT Center For Human Genetics Tuebingen Variant Classification Criteria Version 2. Collection method: clinical testing. Allele origin: germline. Affected: yes. Observed: 1 variant allele.